The following is an entry in ClinVar:

NM_003482.4(KMT2D):c.12220C>T (p.Gln4074Ter)

Gene: KMT2D (lysine methyltransferase 2D; minus strand). Cytogenetic location: 12q13.12.
Variant type: single nucleotide variant.
Coding change: c.12220C>T on transcript NM_003482.4 (MANE Select); coding-DNA position 12220, C replaced by T.
Protein change: p.Gln4074Ter; replaces glutamine 4074 with a stop codon.
Molecular consequence: nonsense.
Genome position (GRCh38, 1-based): chr12:49,032,485, G>A on the plus strand (C>T on the coding strand, the complement: KMT2D is on the minus strand). VCF-style: chr12-49032485-G-A. GRCh37 (hg19) VCF-style: chr12-49426268-G-A.
Other names: short protein forms Q4074*.
Identifiers: ClinVar variation 4991324 (VCV004991324.1).
Genomic context (GRCh38, chr12:49,032,485, plus strand): 5'-GTGGCTGCAGCTGCAGAGAGCTGGGCTGAGGCTGGGGCTGGGGTTGGACAAGCAGGAGTT[G>A]TGAGTCCCCAGAGAGTGAGGGCTTTACCTCTCCTGGTTCAGTGGCCATTGACTCAGGGGT-3'

ClinVar aggregate classification (germline): Pathogenic (1 of 4 stars; one submission).

Conditions:
KMT2D-related disorder. Also called: KMT2D-Related Disorders.

Submission:

PreventionGenetics, part of Exact Sciences
Classification: Pathogenic for KMT2D-related condition. Last evaluated: 2025-08-25. Review status: criteria provided, single submitter. Criteria: ACMG Guidelines, 2015. Collection method: clinical testing. Allele origin: germline.
Comment: The KMT2D c.12220C>T variant is predicted to result in premature protein termination (p.Gln4074*). This variant was reported in an individual with Kabuki syndrome (Patient KMS-71, Miyake et al. 2013. PubMed ID: 23913813). This variant has not been reported in a large population database (gnomAD), indicating this variant is rare. Nonsense variants in KMT2D are expected to be pathogenic. This variant is interpreted as pathogenic.